The following is an entry in ClinVar:

NM_005633.4(SOS1):c.1018C>T (p.Pro340Ser)

Gene: SOS1 (SOS Ras/Rac guanine nucleotide exchange factor 1; minus strand). Cytogenetic location: 2p22.1.
Variant type: single nucleotide variant.
Coding change: c.1018C>T on transcript NM_005633.4 (MANE Select); coding-DNA position 1018, C replaced by T.
Protein change: p.Pro340Ser; replaces proline 340 with serine.
Molecular consequence: missense variant.
Genome position (GRCh38, 1-based): chr2:39,035,268, G>A on the plus strand (C>T on the coding strand, the complement: SOS1 is on the minus strand). VCF-style: chr2-39035268-G-A. GRCh37 (hg19) VCF-style: chr2-39262409-G-A.
Other names: NM_005633.3(SOS1):c.1018C>T; c.997C>T, p.Pro333Ser (NM_001382394.1); c.1018C>T, p.Pro340Ser (NM_001382395.1); short protein forms P340S, P333S.
Identifiers: ClinVar variation 40664 (VCV000040664.19), dbSNP rs190222208, ClinGen allele CA1624660.

ClinVar aggregate classification (germline): Benign. Review status: reviewed by expert panel (3 of 4 stars). 9 submissions from 8 submitters: Benign (1). 8 of the submissions do not count toward it. Last evaluated 2019-06-27.

Conditions:
SOS1-related disorder. Also called: SOS1-related condition.
Noonan syndrome and Noonan-related syndrome. Identifiers: Orphanet 98733, MedGen C5681679, MONDO:0020297.
Cardiovascular phenotype. Identifiers: MedGen CN230736.
RASopathy. Also called: rasopathies; Noonan spectrum disorder. Identifiers: Orphanet 536391, MedGen C5555857, MONDO:0021060.
Fibromatosis, gingival, 1 (GINGF1). Identifiers: Orphanet 2024, MedGen C4551558, MONDO:0007609, OMIM 135300.
Noonan syndrome 4 (NS4). Also called: NOONAN SYNDROME WITH PIGMENTED VILLONODULAR SYNOVITIS; SOS1-Related Noonan Syndrome. Identifiers: Orphanet 648, MedGen C1853120, MONDO:0012547, OMIM 610733.

Allele frequency attached by ClinVar (database versions not stated): gnomAD 0.00009 and 0.00006; ExAC 0.00012; gnomAD exomes 0.00002 and 0.00008; TOPMed 0.00006; 1000 Genomes Project 30x 0.00031; 1000 Genomes Project 0.00040.

Submissions (9):

ClinGen RASopathy Variant Curation Expert Panel
Classification: Benign for Noonan syndrome and Noonan-related syndrome. Last evaluated: 2019-06-27. Review status: reviewed by expert panel. Criteria: ClinGen RASopathy ACMG Specifications v1. Collection method: curation. Allele origin: germline. Inheritance: Autosomal dominant inheritance.
Comment: The c.1018C>T (p.Pro340Ser) variant in the SOS1 gene has been found not to segregate in a family member of a patient who underwent testing for RASopathies as well as another adult who was unaffected (BS4; GeneDx, Invitae internal data; GTR Lab ID: 26957, 500031; SCV000514724.5, SCV000659124.2). This variant has also been identified in a patient with an alternate molecular basis of disease (BP5; PMID 22585553). The filtering allele frequency of the p.Pro340Ser variant is 0.022% for East Asian exomes in the gnomAD database (20/251276 with 95% CI), which is high enough frequency to be considered strong evidence for the variant being benign by the ClinGen RASopathy Expert Panel (BS1). In summary, this variant meets criteria to be classified as benign. RASopathy-specific ACMG/AMP criteria applied (PMID:29493581): BS4, BP5, BS1.

Labcorp Genetics (formerly Invitae), Labcorp
Classification: Likely benign for RASopathy. Last evaluated: 2026-02-01. Review status: criteria provided, single submitter. Criteria: Invitae Variant Classification Sherloc (09022015). Collection method: clinical testing. Allele origin: germline. Not counted in ClinVar's aggregate classification.

Blueprint Genetics
Classification: Likely benign. Last evaluated: 2023-11-30. Review status: criteria provided, single submitter. Criteria: ACMG Guidelines, 2015. Collection method: clinical testing. Allele origin: germline. Not counted in ClinVar's aggregate classification.

Ambry Genetics
Classification: Likely benign for Cardiovascular phenotype. Last evaluated: 2020-12-04. Review status: criteria provided, single submitter. Criteria: Ambry Variant Classification Scheme 2023. Collection method: clinical testing. Allele origin: germline. Not counted in ClinVar's aggregate classification.

GeneDx
Classification: Likely benign. Last evaluated: 2019-07-25. Review status: criteria provided, single submitter. Criteria: GeneDx Variant Classification Process June 2021. Collection method: clinical testing. Allele origin: germline. Affected: yes. Not counted in ClinVar's aggregate classification.
Comment: This variant is associated with the following publications: (PMID: 22585553, 32978145)

Illumina Laboratory Services, Illumina
Classification: Uncertain significance for Noonan syndrome 4. Last evaluated: 2017-04-28. Review status: criteria provided, single submitter. Criteria: ICSL Variant Classification Criteria 13 December 2019. Collection method: clinical testing. Allele origin: germline. Not counted in ClinVar's aggregate classification.
Comment: This variant was observed as part of a predisposition screen in an ostensibly healthy population. A literature search was performed for the gene, cDNA change, and amino acid change (where applicable). Publications were found based on this search. However, the evidence from the literature, in combination with allele frequency data from public databases where available, was not sufficient to rule this variant in or out of causing disease. Therefore, this variant is classified as a variant of unknown significance.

Illumina Laboratory Services, Illumina
Classification: Benign for Fibromatosis, gingival, 1. Last evaluated: 2017-04-28. Review status: criteria provided, single submitter. Criteria: ICSL Variant Classification Criteria 13 December 2019. Collection method: clinical testing. Allele origin: germline. Not counted in ClinVar's aggregate classification.
Comment: This variant was observed as part of a predisposition screen in an ostensibly healthy population. A literature search was performed for the gene, cDNA change, and amino acid change (where applicable). No publications were found based on this search. Allele frequency data from public databases was too high to be consistent with this variant causing disease. Therefore, this variant is classified as benign.

Women's Health and Genetics/Laboratory Corporation of America, LabCorp
Classification: Likely benign. Last evaluated: 2016-01-12. Review status: criteria provided, single submitter. Criteria: LabCorp Variant Classification Summary - May 2015. Collection method: clinical testing. Allele origin: germline. Not counted in ClinVar's aggregate classification.
Comment: Variant summary: The c.1018C>T variant affects a conserved nucleotide, resulting in amino acid change from Pro to Ser. 4/4 in-silico tools predict damaging outcome for this variant (SNPs&GO not captured due to low reliability index). 5/5 programs in Alamut predict that this variant does not affect normal splicing. ESE finder predicts that this variant may affect multiple ESE sites. However, these predictions are not confirmed by experimental studies. This variant has been reported in one patient with co-occurrence of PTPN11 c.1403C>T/p.T468M (pathogenic, Fahrner_2012). This variant is found in 14/119120 control chromosomes at a frequency of 0.0001175, which is about 4 times of maximal expected frequency of a pathogenic allele (0.00003), suggesting this variant is benign. Taken together, this variant was classified as likely benign.

PreventionGenetics, part of Exact Sciences
Classification: Benign for SOS1-related condition. Last evaluated: 2020-09-18. Review status: no assertion criteria provided. Collection method: clinical testing. Allele origin: germline. Not counted in ClinVar's aggregate classification.
Comment: This variant is classified as benign based on ACMG/AMP sequence variant interpretation guidelines (Richards et al. 2015 PMID: 25741868, with internal and published modifications).

Literature cited by the submitters: PubMed 22585553 (cited by 4 submitters); PubMed 25864170 (cited by Ambry Genetics and Women's Health and Genetics/Laboratory Corporation of America, LabCorp); PubMed 31368652 (cited by Ambry Genetics).